The following is an entry in ClinVar:

ClinVar aggregate classification (germline): Uncertain significance. Review status: criteria provided, multiple submitters, no conflicts (2 of 4 stars). 2 submissions from 2 submitters: Uncertain significance (2). Last evaluated 2025-12-01.

Conditions:
HSD3B7-related disorder. Also called: HSD3B7-related condition.

Allele frequency attached by ClinVar (database versions not stated): gnomAD exomes below 0.00001; TOPMed 0.00001; gnomAD 0.00003.
gnomAD v4.1: 4 of 1,613,310 alleles (0.00025%); highest among the groups gnomAD compares: Non-Finnish European, 0.00034%; no homozygotes.

Submissions (2):

PreventionGenetics, part of Exact Sciences
Classification: Uncertain significance for HSD3B7-related condition. Last evaluated: 2025-12-01. Review status: criteria provided, single submitter. Criteria: ACMG Guidelines, 2015. Collection method: clinical testing. Allele origin: germline.
Comment: The HSD3B7 c.323-3C>A variant is predicted to interfere with splicing. This variant is predicted to weaken the splice acceptor site signal based on a prediction algorithm (Alamut Visual Plus v1.6.1), but is not predicted to alter splicing based on another prediction algorithm (SpliceAI, Jaganathan et al. 2019. PubMed ID: 30661751). However, the use of computer prediction programs is not equivalent to functional evidence. To our knowledge, this variant has not been reported in the literature. This variant is reported in 0.0065% of alleles in individuals of European (Non-Finnish) descent in gnomAD. At this time, the clinical significance of this variant is uncertain due to the absence of conclusive functional and genetic evidence.

Eurofins Ntd Llc (ga)
Classification: Uncertain significance. Last evaluated: 2017-11-14. Review status: criteria provided, single submitter. Criteria: EGL Classification Definitions 2015. Collection method: clinical testing. Allele origin: germline. Observed: 1 variant allele, 1 heterozygote.

NM_025193.4(HSD3B7):c.323-3C>A

Gene: HSD3B7 (hydroxy-delta-5-steroid dehydrogenase, 3 beta- and steroid delta-isomerase 7; plus strand). Cytogenetic location: 16p11.2.
Variant type: single nucleotide variant.
Coding change: c.323-3C>A on transcript NM_025193.4 (MANE Select); 3 bases into the intron before coding-DNA position 323, C replaced by A.
Molecular consequence: intron variant.
Genome position (GRCh38, 1-based): chr16:30,986,420, C>A. VCF-style: chr16-30986420-C-A. GRCh37 (hg19) VCF-style: chr16-30997741-C-A.
Other names: c.323-3C>A (NM_001142777.2, NM_001142778.2, NM_025193.3).
Identifiers: ClinVar variation 595018 (VCV000595018.6), dbSNP rs1456158372, ClinGen allele CA622171139.